The following is an entry in ClinVar:

ClinVar aggregate classification (germline): Pathogenic (1 of 4 stars; one submission).

Conditions:
Catecholaminergic polymorphic ventricular tachycardia (CVPT). Also called: Catecholamine-induced polymorphic ventricular tachycardia. Identifiers: Orphanet 3286, MedGen C5574922, MONDO:0017990.

Submission:

Labcorp Genetics (formerly Invitae), Labcorp
Classification: Pathogenic for Catecholaminergic polymorphic ventricular tachycardia. Last evaluated: 2019-12-24. Review status: criteria provided, single submitter. Criteria: Invitae Variant Classification Sherloc (09022015). Collection method: clinical testing. Allele origin: germline.
Comment: This variant is a gross deletion of the genomic region encompassing exon 3 of the RYR2 gene. This leads to an in-frame deletion, preserving the integrity of the reading frame. Deletions that encompass exon 3 of the RYR2 gene have been reported in the literature in individuals affected with noncompaction cardiomyopathy and catecholaminergic polymorphic ventricular tachycardia and have been shown to segregate with the disease in the families analyzed (PMID: 17875969, 19216760, 19926015, 23479668, 24394973, 25835811, 26018045). Experimental studies have shown that this in-frame deletion changes the channel properties of RYR2 by markedly reducing the luminal Ca2+ threshold at which Ca2+ release terminates (PMID: 22374134). For these reasons, this variant has been classified as Pathogenic.

Literature cited by the submitters: PubMed 19216760; PubMed 19926015; PubMed 25835811; PubMed 17875969; PubMed 23479668; PubMed 22374134; PubMed 26018045; PubMed 24394973.

NC_000001.11:g.(?_237330868)_(237330992_?)del

Gene: RYR2 (ryanodine receptor 2; plus strand). Cytogenetic location: 1q43.
Variant type: Deletion.
Identifiers: ClinVar variation 832865 (VCV000832865.2).